The following is an entry in ClinVar:

ClinVar aggregate classification (germline): Likely pathogenic (1 of 4 stars; one submission).

Conditions:
Dilated cardiomyopathy 1G (CMD1G). Identifiers: Orphanet 154, MedGen C1858763, MONDO:0011400, OMIM 604145.
Autosomal recessive limb-girdle muscular dystrophy type 2J (LGMDR10). Also called: Limb-girdle muscular dystrophy, type 2J; MUSCULAR DYSTROPHY, LIMB-GIRDLE, AUTOSOMAL RECESSIVE 10. Identifiers: Orphanet 140922, MedGen C1837342, MONDO:0012127, OMIM 608807.

Submission:

Labcorp Genetics (formerly Invitae), Labcorp
Classification: Likely pathogenic for Dilated cardiomyopathy 1G; Autosomal recessive limb-girdle muscular dystrophy type 2J. Last evaluated: 2024-06-11. Review status: criteria provided, single submitter. Criteria: Invitae Variant Classification Sherloc (09022015). Collection method: clinical testing. Allele origin: germline.
Comment: This sequence change creates a premature translational stop signal (p.Glu11695*) in the TTN gene. While this is not anticipated to result in nonsense mediated decay, it is expected to create a truncated TTN protein. This variant is not present in population databases (gnomAD no frequency). This premature translational stop signal has been observed in individual(s) with dilated cardiomyopathy (PMID: 27532257). This variant is located in the I band of TTN (PMID: 25589632). Truncating variants in this region have been reported in individuals affected with autosomal recessive centronuclear myopathy (PMID: 23975875, Invitae internal data). Truncating variants in this region have also been identified in individuals affected with autosomal dominant dilated cardiomyopathy and/or cardio-related conditions (PMID: 27869827, 32964742, Invitae internal data). In summary, the currently available evidence indicates that the variant is pathogenic, but additional data are needed to prove that conclusively. Therefore, this variant has been classified as Likely Pathogenic.

Literature cited by the submitters: PubMed 27532257; PubMed 25589632; PubMed 23975875; PubMed 27869827; PubMed 32964742.

NM_001267550.2(TTN):c.35083G>T (p.Glu11695Ter)

Gene: TTN (titin; minus strand). Cytogenetic location: 2q31.2.
Variant type: single nucleotide variant.
Coding change: c.35083G>T on transcript NM_001267550.2 (MANE Select); coding-DNA position 35083, G replaced by T.
Protein change: p.Glu11695Ter; replaces glutamic acid 11695 with a stop codon.
Molecular consequence: nonsense. On other transcripts: intron variant (3).
Genome position (GRCh38, 1-based): chr2:178,672,115, C>A on the plus strand (G>T on the coding strand, the complement: TTN is on the minus strand). VCF-style: chr2-178672115-C-A. GRCh37 (hg19) VCF-style: chr2-179536842-C-A.
Other names: c.33961G>T, p.Glu11321Ter (NM_001256850.1); c.31180G>T, p.Glu10394Ter (NM_133378.4); c.13283-29798G>T (NM_003319.4); c.13859-29798G>T (NM_133437.4); c.13658-29798G>T (NM_133432.3); short protein forms E10394*, E11321*, E11695*.
Identifiers: ClinVar variation 3759071 (VCV003759071.2).